The following is an entry in ClinVar:

ClinVar aggregate classification (germline): Uncertain significance (1 of 4 stars; one submission).

Conditions:
Neurodevelopmental disorder with hypotonia, impaired language, and dysmorphic features. Also called: Intellectual disability, autosomal dominant 40. Identifiers: Orphanet 692193, MedGen C5676894, MONDO:0014699, OMIM 616579.

Allele frequency attached by ClinVar (database versions not stated): TOPMed below 0.00001.
gnomAD v4.1: 4 of 1,614,082 alleles (0.00025%); highest among the groups gnomAD compares: South Asian, 0.0033%; no homozygotes.

Submission:

Neuberg Centre For Genomic Medicine, NCGM
Classification: Uncertain significance for Neurodevelopmental disorder with hypotonia, impaired language, and dysmorphic features. Review status: criteria provided, single submitter. Criteria: ACMG Guidelines, 2015. Collection method: clinical testing. Allele origin: germline. Inheritance: Autosomal dominant inheritance. Affected: yes.
Comment: The missense c.364G>Cp.Ala122Pro variant in CHAMP1 gene has not been reported previously as a pathogenic variant nor a benign variant, to our knowledge. The p.Ala122Pro variant is novel not in any individuals in gnomAD Exomes and 1000 Genomes. This variant has not been reported to the ClinVar database. The amino acid change p.Ala122Pro in CHAMP1 is predicted as conserved by GERP++ and PhyloP across 100 vertebrates. The amino acid Ala at position 122 is changed to a Pro changing protein sequence and it might alter its composition and physico-chemical properties. For these reasons, this variant has been classified as a Variant of Uncertain Significance VUS.

NM_032436.4(CHAMP1):c.364G>C (p.Ala122Pro)

Gene: CHAMP1 (chromosome alignment maintaining phosphoprotein 1; plus strand). Cytogenetic location: 13q34.
Variant type: single nucleotide variant.
Coding change: c.364G>C on transcript NM_032436.4 (MANE Select); coding-DNA position 364, G replaced by C.
Protein change: p.Ala122Pro; replaces alanine 122 with proline.
Molecular consequence: missense variant.
Genome position (GRCh38, 1-based): chr13:114,324,206, G>C. VCF-style: chr13-114324206-G-C. GRCh37 (hg19) VCF-style: chr13-115089681-G-C.
Other names: c.364G>C, p.Ala122Pro (NM_001164144.3, NM_001164145.3); short protein forms A122P.
Identifiers: ClinVar variation 3234986 (VCV003234986.1), dbSNP rs1297632293, ClinGen allele CA388846087.
Genomic context (GRCh38, chr13:114,324,206, plus strand): 5'-GAAACAGATCCTGTGAAAAGCCCTCCTCTTCCTGAACACCAGAAAATACCCTGCAATTCA[G>C]CAGAACCAAAATCCATACCTGCCCTTTCAATGGAAACACAGAAACTTGGTTCAGTTTTGT-3'
Protein context (NP_115812.1, residues 112-132): PEHQKIPCNS[Ala122Pro]EPKSIPALSM